The following is an entry in ClinVar:

NM_173728.4(ARHGEF15):c.2503A>C (p.Thr835Pro)

Gene: ARHGEF15 (Rho guanine nucleotide exchange factor 15; plus strand). Cytogenetic location: 17p13.1.
Variant type: single nucleotide variant.
Coding change: c.2503A>C on transcript NM_173728.4 (MANE Select); coding-DNA position 2503, A replaced by C.
Protein change: p.Thr835Pro; replaces threonine 835 with proline.
Molecular consequence: missense variant.
Genome position (GRCh38, 1-based): chr17:8,320,970, A>C. VCF-style: chr17-8320970-A-C. GRCh37 (hg19) VCF-style: chr17-8224288-A-C.
Other names: c.2503A>C, p.Thr835Pro (NM_025014.2); short protein forms T835P.
Identifiers: ClinVar variation 3644783 (VCV003644783.2).

ClinVar aggregate classification (germline): Uncertain significance (1 of 4 stars; one submission).

Conditions:
Early-infantile DEE. Also called: Early infantile epileptic encephalopathy; Ohtahara syndrome; Early infantile epileptic encephalopathy with suppression bursts. Identifiers: Orphanet 1934, MedGen C0393706, MONDO:0800491.

Submission:

Labcorp Genetics (formerly Invitae), Labcorp
Classification: Uncertain significance for Early-infantile DEE. Last evaluated: 2024-03-06. Review status: criteria provided, single submitter. Criteria: Invitae Variant Classification Sherloc (09022015). Collection method: clinical testing. Allele origin: germline.
Comment: This sequence change replaces threonine, which is neutral and polar, with proline, which is neutral and non-polar, at codon 835 of the ARHGEF15 protein (p.Thr835Pro). This variant is not present in population databases (gnomAD no frequency). This variant has not been reported in the literature in individuals affected with ARHGEF15-related conditions. Algorithms developed to predict the effect of missense changes on protein structure and function output the following: SIFT: "Not Available"; PolyPhen-2: "Benign"; Align-GVGD: "Not Available". The proline amino acid residue is found in multiple mammalian species, which suggests that this missense change does not adversely affect protein function. In summary, the available evidence is currently insufficient to determine the role of this variant in disease. Therefore, it has been classified as a Variant of Uncertain Significance.